The following is an entry in ClinVar:

ClinVar aggregate classification (germline): Pathogenic. Review status: criteria provided, multiple submitters, no conflicts (2 of 4 stars). 2 submissions from 2 submitters: Pathogenic (2). Last evaluated 2025-12-21.

Conditions:
Stickler syndrome type 1 (STL1). Also called: COL2A1-Related Stickler Syndrome; ARTHROOPHTHALMOPATHY, HEREDITARY PROGRESSIVE; STICKLER SYNDROME, MEMBRANOUS VITREOUS TYPE; STICKLER SYNDROME, VITREOUS TYPE 1. Identifiers: Orphanet 828, Orphanet 90653, MedGen C2020284, MONDO:0007160, OMIM 108300.

Submissions (2):

Labcorp Genetics (formerly Invitae), Labcorp
Classification: Pathogenic. Last evaluated: 2025-12-21. Review status: criteria provided, single submitter. Criteria: Invitae Variant Classification Sherloc (09022015). Collection method: clinical testing. Allele origin: germline.
Comment: This sequence change creates a premature translational stop signal (p.Gln389*) in the COL2A1 gene. It is expected to result in an absent or disrupted protein product. Loss-of-function variants in COL2A1 are known to be pathogenic (PMID: 20179744). This variant is not present in population databases (gnomAD no frequency). This variant has not been reported in the literature in individuals affected with COL2A1-related conditions. ClinVar contains an entry for this variant (Variation ID: 4277927). For these reasons, this variant has been classified as Pathogenic.

Genomic Medicine Center of Excellence, King Faisal Specialist Hospital and Research Centre
Classification: Pathogenic for Stickler syndrome type 1. Last evaluated: 2025-09-10. Review status: criteria provided, single submitter. Criteria: ACMG Guidelines, 2015. Collection method: clinical testing. Allele origin: germline.

Literature cited by the submitters: PubMed 20179744 (cited by Labcorp Genetics (formerly Invitae), Labcorp).

NM_001844.5(COL2A1):c.1165C>T (p.Gln389Ter)

Gene: COL2A1 (collagen type II alpha 1 chain; minus strand). Cytogenetic location: 12q13.11.
Variant type: single nucleotide variant.
Coding change: c.1165C>T on transcript NM_001844.5 (MANE Select); coding-DNA position 1165, C replaced by T.
Protein change: p.Gln389Ter; replaces glutamine 389 with a stop codon.
Molecular consequence: nonsense.
Genome position (GRCh38, 1-based): chr12:47,987,667, G>A on the plus strand (C>T on the coding strand, the complement: COL2A1 is on the minus strand). VCF-style: chr12-47987667-G-A. GRCh37 (hg19) VCF-style: chr12-48381450-G-A.
Other names: c.958C>T, p.Gln320Ter (NM_033150.3); short protein forms Q320*, Q389*.
Identifiers: ClinVar variation 4277927 (VCV004277927.2).
Genomic context (GRCh38, chr12:47,987,667, plus strand): 5'-TTACGGAGGCACCAGCAGGCCCAGGGGACCCAGGAGTACCAGGTTCACCGCGAGGACCTT[G>A]AGCACCTTCAGGACCACGGGCACCAGTGGGGCCGGCTTCACCCTGGGAAGAGACAGGGAG-3'